The following is an entry in ClinVar:

ClinVar aggregate classification (germline): Uncertain significance (1 of 4 stars; one submission).

Allele frequency attached by ClinVar (database versions not stated): gnomAD exomes below 0.00001.
gnomAD v4.1: 7 of 1,613,416 alleles (0.00043%); highest among the groups gnomAD compares: Non-Finnish European, 0.00042%; no homozygotes.

Submission:

Labcorp Genetics (formerly Invitae), Labcorp
Classification: Uncertain significance. Last evaluated: 2023-03-11. Review status: criteria provided, single submitter. Criteria: Invitae Variant Classification Sherloc (09022015). Collection method: clinical testing. Allele origin: germline.
Comment: This sequence change replaces asparagine, which is neutral and polar, with serine, which is neutral and polar, at codon 78 of the DHX32 protein (p.Asn78Ser). This variant is present in population databases (rs760707814, gnomAD 0.002%). This variant has not been reported in the literature in individuals affected with DHX32-related conditions. Algorithms developed to predict the effect of missense changes on protein structure and function output the following: SIFT: "Not Available"; PolyPhen-2: "Benign"; Align-GVGD: "Not Available". The serine amino acid residue is found in multiple mammalian species, which suggests that this missense change does not adversely affect protein function. In summary, the available evidence is currently insufficient to determine the role of this variant in disease. Therefore, it has been classified as a Variant of Uncertain Significance.

NM_018180.3(DHX32):c.233A>G (p.Asn78Ser)

Gene: DHX32 (DEAH-box helicase 32 (putative); minus strand). Cytogenetic location: 10q26.2.
Variant type: single nucleotide variant.
Coding change: c.233A>G on transcript NM_018180.3 (MANE Select); coding-DNA position 233, A replaced by G.
Protein change: p.Asn78Ser; replaces asparagine 78 with serine.
Molecular consequence: missense variant.
Genome position (GRCh38, 1-based): chr10:125,880,592, T>C on the plus strand (A>G on the coding strand, the complement: DHX32 is on the minus strand). VCF-style: chr10-125880592-T-C. GRCh37 (hg19) VCF-style: chr10-127569161-T-C.
Other names: short protein forms N78S.
Identifiers: ClinVar variation 2893078 (VCV002893078.3), dbSNP rs760707814, ClinGen allele CA215305563.